The following is an entry in ClinVar:

ClinVar aggregate classification (germline): Conflicting classifications of pathogenicity. Review status: criteria provided, conflicting classifications (1 of 4 stars). 7 submissions from 7 submitters: Uncertain significance (5); Likely benign (1). 1 of the submissions does not count toward it. Last evaluated 2026-01-22.

Conditions:
GLIS2-related disorder. Also called: GLIS2-related condition.
Nephronophthisis. Also called: Juvenile Nephronophthisis. Identifiers: Orphanet 655, MedGen C0687120, MONDO:0019005, HP:0000090.
Nephronophthisis 7 (NPHP7). Identifiers: Orphanet 655, MedGen C1969092, MONDO:0012680, OMIM 611498.

Allele frequency attached by ClinVar (database versions not stated): ESP Exome Variant Server 0.00046; ExAC 0.00058; gnomAD exomes 0.00065; gnomAD 0.00035 and 0.00036; TOPMed 0.00040.
gnomAD v4.1: 879 of 1,612,468 alleles (0.055%); highest among the groups gnomAD compares: Middle Eastern, 0.16%; 2 homozygotes.

Submissions (13):

Labcorp Genetics (formerly Invitae), Labcorp
Classification: Likely benign for Nephronophthisis. Last evaluated: 2026-01-22. Review status: criteria provided, single submitter. Criteria: Invitae Variant Classification Sherloc (09022015). Collection method: clinical testing. Allele origin: germline.

GeneDx
Classification: Uncertain significance. Last evaluated: 2025-01-09. Review status: criteria provided, single submitter. Criteria: GeneDx Variant Classification Process June 2021. Collection method: clinical testing. Allele origin: germline. Affected: yes.
Comment: In silico analysis indicates that this missense variant does not alter protein structure/function; Has not been previously published as pathogenic or benign to our knowledge

Ambry Genetics
Classification: Uncertain significance. Last evaluated: 2022-03-28. Review status: criteria provided, single submitter. Criteria: Ambry Variant Classification Scheme 2023. Collection method: clinical testing. Allele origin: germline.

Baylor Genetics
Classification: Uncertain significance for Nephronophthisis 7. Last evaluated: 2018-04-17. Review status: criteria provided, single submitter. Criteria: ACMG Guidelines, 2015. Collection method: clinical testing. Allele origin: paternal. Affected: yes.
Comment: This variant was determined to be of uncertain significance according to ACMG Guidelines, 2015 [PMID:25741868].

Illumina Laboratory Services, Illumina
Classification: Uncertain significance for Nephronophthisis 7. Last evaluated: 2018-01-13. Review status: criteria provided, single submitter. Criteria: ICSL Variant Classification Criteria 13 December 2019. Collection method: clinical testing. Allele origin: germline.

Eurofins Ntd Llc (ga)
Classification: Uncertain significance. Last evaluated: 2015-01-13. Review status: criteria provided, single submitter. Criteria: EGL Classification Definitions 2015. Collection method: clinical testing. Allele origin: germline. Observed: 1 variant allele, 1 heterozygote.

PreventionGenetics, part of Exact Sciences
Classification: Likely benign for GLIS2-related condition. Last evaluated: 2023-08-10. Review status: no assertion criteria provided. Collection method: clinical testing. Allele origin: germline. Not counted in ClinVar's aggregate classification.
Comment: This variant is classified as likely benign based on ACMG/AMP sequence variant interpretation guidelines (Richards et al. 2015 PMID: 25741868, with internal and published modifications).

Dr. Peter K. Rogan Lab, Western University
No classification provided (evidence only). Condition: Clear cell carcinoma of kidney. Review status: no classification provided. Collection method: in vitro. Allele origin: not applicable. Functional consequence: retained intron. Not counted in ClinVar's aggregate classification.

Dr. Peter K. Rogan Lab, Western University
No classification provided (evidence only). Condition: Cervical cancer. Review status: no classification provided. Collection method: in vitro. Allele origin: not applicable. Functional consequence: retained intron. Not counted in ClinVar's aggregate classification.

Dr. Peter K. Rogan Lab, Western University
No classification provided (evidence only). Condition: Sarcoma. Review status: no classification provided. Collection method: in vitro. Allele origin: not applicable. Functional consequence: skipped exon. Not counted in ClinVar's aggregate classification.

Dr. Peter K. Rogan Lab, Western University
No classification provided (evidence only). Condition: Hepatocellular carcinoma. Review status: no classification provided. Collection method: in vitro. Allele origin: not applicable. Functional consequence: skipped exon, retained intron. Not counted in ClinVar's aggregate classification.

Dr. Peter K. Rogan Lab, Western University
No classification provided (evidence only). Condition: Ovarian serous cystadenocarcinoma. Review status: no classification provided. Collection method: in vitro. Allele origin: not applicable. Functional consequence: retained intron. Not counted in ClinVar's aggregate classification.

Dr. Peter K. Rogan Lab, Western University
No classification provided (evidence only). Condition: Malignant tumor of esophagus. Review status: no classification provided. Collection method: in vitro. Allele origin: not applicable. Functional consequence: retained intron. Not counted in ClinVar's aggregate classification.

NM_032575.3(GLIS2):c.239A>T (p.Asp80Val)

Gene: GLIS2 (GLIS family zinc finger 2; plus strand). Cytogenetic location: 16p13.3.
Variant type: single nucleotide variant.
Coding change: c.239A>T on transcript NM_032575.3 (MANE Select); coding-DNA position 239, A replaced by T.
Protein change: p.Asp80Val; replaces aspartic acid 80 with valine.
Molecular consequence: missense variant.
Genome position (GRCh38, 1-based): chr16:4,333,413, A>T. VCF-style: chr16-4333413-A-T. GRCh37 (hg19) VCF-style: chr16-4383414-A-T.
Other names: c.239A>T, p.Asp80Val (NM_001318918.2); short protein forms D80V.
Identifiers: ClinVar variation 195389 (VCV000195389.28), dbSNP rs144447862, ClinGen allele CA241809.